The following is an entry in ClinVar:

ClinVar aggregate classification (germline): Uncertain significance (1 of 4 stars; one submission).

Submission:

Labcorp Genetics (formerly Invitae), Labcorp
Classification: Uncertain significance. Last evaluated: 2025-11-06. Review status: criteria provided, single submitter. Criteria: Invitae Variant Classification Sherloc (09022015). Collection method: clinical testing. Allele origin: germline.
Comment: This sequence change replaces arginine, which is basic and polar, with serine, which is neutral and polar, at codon 333 of the PROM1 protein (p.Arg333Ser). This variant is not present in population databases (gnomAD no frequency). This variant has not been reported in the literature in individuals affected with PROM1-related conditions. Invitae Evidence Modeling of protein sequence and biophysical properties (such as structural, functional, and spatial information, amino acid conservation, physicochemical variation, residue mobility, and thermodynamic stability) indicates that this missense variant is not expected to disrupt PROM1 protein function with a negative predictive value of 80%. In summary, the available evidence is currently insufficient to determine the role of this variant in disease. Therefore, it has been classified as a Variant of Uncertain Significance.

NM_006017.3(PROM1):c.999G>T (p.Arg333Ser)

Gene: PROM1 (prominin 1; minus strand). Cytogenetic location: 4p15.32.
Variant type: single nucleotide variant.
Coding change: c.999G>T on transcript NM_006017.3 (MANE Select); coding-DNA position 999, G replaced by T.
Protein change: p.Arg333Ser; replaces arginine 333 with serine.
Molecular consequence: missense variant. On other transcripts: non-coding transcript variant (2).
Genome position (GRCh38, 1-based): chr4:16,018,326, C>A on the plus strand (G>T on the coding strand, the complement: PROM1 is on the minus strand). VCF-style: chr4-16018326-C-A. GRCh37 (hg19) VCF-style: chr4-16019949-C-A.
Other names: c.972G>T, p.Arg324Ser (NM_001145847.2, NM_001145848.2, NM_001145851.2 and 9 more transcripts); c.999G>T, p.Arg333Ser (NM_001145849.2, NM_001145850.2); c.888G>T, p.Arg296Ser (NM_001441174.1); c.633G>T, p.Arg211Ser (NM_001441179.1); short protein forms R333S, R211S, R296S, R324S.
Identifiers: ClinVar variation 4743246 (VCV004743246.1).
Genomic context (GRCh38, chr4:16,018,326, plus strand): 5'-CTGCCCGGCAATCCCCAGCATGCAGCCCTTGACCATGGCAAGCTCATGCCTGCTCACCTG[C>A]CTCAGTTCAGGGTTGCTATTCAGCTGGCTTAGAGACAATCTGATGCTGTTGCAGGTTTCA-3'
Protein context (NP_006008.1, residues 323-343): LSQLNSNPEL[Arg333Ser]QLPPVDAELD